The following is an entry in ClinVar:

NM_000038.6(APC):c.7612A>G (p.Arg2538Gly)

Gene: APC (APC regulator of Wnt signaling pathway; plus strand). Cytogenetic location: 5q22.2.
Variant type: single nucleotide variant.
Coding change: c.7612A>G on transcript NM_000038.6 (MANE Select); coding-DNA position 7612, A replaced by G.
Protein change: p.Arg2538Gly; replaces arginine 2538 with glycine.
Molecular consequence: missense variant.
Genome position (GRCh38, 1-based): chr5:112,843,206, A>G. VCF-style: chr5-112843206-A-G. GRCh37 (hg19) VCF-style: chr5-112178903-A-G.
Other names: c.7612A>G, p.Arg2538Gly (NM_001127510.3, NM_001354895.2); c.7558A>G, p.Arg2520Gly (NM_001127511.3); c.7666A>G, p.Arg2556Gly (NM_001354896.2); c.7642A>G, p.Arg2548Gly (NM_001354897.2); c.7537A>G, p.Arg2513Gly (NM_001354898.2); c.7528A>G, p.Arg2510Gly (NM_001354899.2); c.7489A>G, p.Arg2497Gly (NM_001354900.2); c.7435A>G, p.Arg2479Gly (NM_001354901.2); and 5 more; short protein forms R2255G, R2378G, R2412G, R2437G, R2447G, R2479G, R2497G, R2510G.
Identifiers: ClinVar variation 928621 (VCV000928621.7), dbSNP rs1766523945, ClinGen allele CA16037866.

ClinVar aggregate classification (germline): Uncertain significance. Review status: criteria provided, multiple submitters, no conflicts (2 of 4 stars). 2 submissions from 2 submitters: Uncertain significance (2). Last evaluated 2021-11-20.

Conditions:
Familial adenomatous polyposis 1 (FAP1). Also called: FAMILIAL ADENOMATOUS POLYPOSIS 1, ATTENUATED; POLYPOSIS, ADENOMATOUS INTESTINAL. Identifiers: MedGen C2713442, MONDO:0021056, OMIM 175100. Disease mechanism: loss of function.

Allele frequency attached by ClinVar (database versions not stated): gnomAD exomes below 0.00001.
gnomAD v4.1: 1 of 1,613,472 alleles (0.000062%); highest among the groups gnomAD compares: Non-Finnish European, 0.000085%; no homozygotes.

Submissions (2):

Labcorp Genetics (formerly Invitae), Labcorp
Classification: Uncertain significance for Familial adenomatous polyposis 1. Last evaluated: 2021-11-20. Review status: criteria provided, single submitter. Criteria: Invitae Variant Classification Sherloc (09022015). Collection method: clinical testing. Allele origin: germline.
Comment: Algorithms developed to predict the effect of missense changes on protein structure and function are either unavailable or do not agree on the potential impact of this missense change (SIFT: "Tolerated"; PolyPhen-2: "Probably Damaging"; Align-GVGD: "Class C15"). ClinVar contains an entry for this variant (Variation ID: 928621). This variant has not been reported in the literature in individuals affected with APC-related conditions. This variant is not present in population databases (gnomAD no frequency). This sequence change replaces arginine, which is basic and polar, with glycine, which is neutral and non-polar, at codon 2538 of the APC protein (p.Arg2538Gly). In summary, the available evidence is currently insufficient to determine the role of this variant in disease. Therefore, it has been classified as a Variant of Uncertain Significance.

Women's Health and Genetics/Laboratory Corporation of America, LabCorp
Classification: Uncertain significance. Last evaluated: 2019-09-13. Review status: criteria provided, single submitter. Criteria: LabCorp Variant Classification Summary - May 2015. Collection method: clinical testing. Allele origin: germline.
Comment: Variant summary: APC c.7612A>G (p.Arg2538Gly) results in a non-conservative amino acid change located in the Adenomatous polyposis coli protein basic domain (IPR009234) of the encoded protein sequence. Five of five in-silico tools predict a damaging effect of the variant on protein function. The variant was absent in 250646 control chromosomes (gnomAD). The available data on variant occurrences in the general population are insufficient to allow any conclusion about variant significance. To our knowledge, no occurrence of c.7612A>G in individuals affected with Familial Adenomatous Polyposis and no experimental evidence demonstrating its impact on protein function have been reported. No clinical diagnostic laboratories have submitted clinical-significance assessments for this variant to ClinVar after 2014. Based on the evidence outlined above, the variant was classified as uncertain significance.